The following is an entry in ClinVar:

NM_145260.3(OSR1):c.345G>T (p.Pro115=)

Gene: OSR1 (odd-skipped related transcription factor 1; minus strand). Cytogenetic location: 2p24.1.
Variant type: single nucleotide variant.
Coding change: c.345G>T on transcript NM_145260.3 (MANE Select); coding-DNA position 345, G replaced by T.
Protein change: p.Pro115=; no amino-acid change (proline 115 retained).
Molecular consequence: synonymous variant.
Genome position (GRCh38, 1-based): chr2:19,353,461, C>A on the plus strand (G>T on the coding strand, the complement: OSR1 is on the minus strand). VCF-style: chr2-19353461-C-A. GRCh37 (hg19) VCF-style: chr2-19553222-C-A.
Identifiers: ClinVar variation 723969 (VCV000723969.28), dbSNP rs45587636, ClinGen allele CA1542387.

ClinVar aggregate classification (germline): Benign/Likely benign. Review status: criteria provided, multiple submitters, no conflicts (2 of 4 stars). 3 submissions from 3 submitters: Benign (2); Likely benign (1). Last evaluated 2022-09-01.

Allele frequency attached by ClinVar (database versions not stated): gnomAD exomes 0.00076; ExAC 0.00095; gnomAD 0.00277 and 0.00300; TOPMed 0.00290; 1000 Genomes Project 30x 0.00297; ESP Exome Variant Server 0.00331; 1000 Genomes Project 0.00339.
gnomAD v4.1: 858 of 1,613,972 alleles (0.053%); highest among the groups gnomAD compares: African/African-American, 1%; 1 homozygote.

Submissions (3):

CeGaT Center for Human Genetics Tuebingen
Classification: Likely benign. Last evaluated: 2022-09-01. Review status: criteria provided, single submitter. Criteria: CeGaT Center For Human Genetics Tuebingen Variant Classification Criteria Version 2. Collection method: clinical testing. Allele origin: germline. Affected: yes. Observed: 1 variant allele.
Comment: OSR1: BP4, BP7

Labcorp Genetics (formerly Invitae), Labcorp
Classification: Benign. Last evaluated: 2018-04-04. Review status: criteria provided, single submitter. Criteria: Invitae Variant Classification Sherloc (09022015). Collection method: clinical testing. Allele origin: germline.

Breakthrough Genomics
Classification: Benign. Review status: criteria provided, single submitter. Criteria: ACMG Guidelines, 2015. Collection method: not provided. Allele origin: germline. Inheritance: Unknown mechanism. Affected: yes.